The following is an entry in ClinVar:

ClinVar aggregate classification (germline): Uncertain significance (1 of 4 stars; one submission).

Submission:

Ambry Genetics
Classification: Uncertain significance. Last evaluated: 2023-11-15. Review status: criteria provided, single submitter. Criteria: Ambry Variant Classification Scheme 2023. Collection method: clinical testing. Allele origin: germline.
Comment: The p.K1058E variant (also known as c.3172A>G), located in coding exon 16 of the POLQ gene, results from an A to G substitution at nucleotide position 3172. The lysine at codon 1058 is replaced by glutamic acid, an amino acid with similar properties. This amino acid position is conserved. In addition, this alteration is predicted to be tolerated by in silico analysis. Since supporting evidence is limited at this time, the clinical significance of this alteration remains unclear.

NM_199420.4(POLQ):c.3172A>G (p.Lys1058Glu)

Gene: POLQ (DNA polymerase theta; minus strand). Cytogenetic location: 3q13.33.
Variant type: single nucleotide variant.
Coding change: c.3172A>G on transcript NM_199420.4 (MANE Select); coding-DNA position 3172, A replaced by G.
Protein change: p.Lys1058Glu; replaces lysine 1058 with glutamic acid.
Molecular consequence: missense variant.
Genome position (GRCh38, 1-based): chr3:121,489,759, T>C on the plus strand (A>G on the coding strand, the complement: POLQ is on the minus strand). VCF-style: chr3-121489759-T-C. GRCh37 (hg19) VCF-style: chr3-121208606-T-C.
Other names: short protein forms K1058E.
Identifiers: ClinVar variation 1728448 (VCV001728448.2), dbSNP rs2546787719, ClinGen allele CA354101434.
Genomic context (GRCh38, chr3:121,489,759, plus strand): 5'-AAAGACTAGGATTAGACAGAGTCTGTCCTTGTAAATGGATTCTACACGCTCCAGAGTCTT[T>C]CAGGGGGCTGCTGTCCCTAGATCGCTTTAGATGCTTTCTACGTTTCCAAGATCGAAAACT-3'
Protein context (NP_955452.3, residues 1048-1068): LKRSRDSSPL[Lys1058Glu]DSGACRIHLQ